The following is an entry in ClinVar:

ClinVar aggregate classification (germline): Likely benign. Review status: criteria provided, multiple submitters, no conflicts (2 of 4 stars). 2 submissions from 2 submitters: Likely benign (2). Last evaluated 2026-08-01.

Allele frequency attached by ClinVar (database versions not stated): 1000 Genomes Project 30x 0.00016; 1000 Genomes Project 0.00020; ESP Exome Variant Server 0.00023; TOPMed 0.00023; gnomAD 0.00024 and 0.00026; gnomAD exomes 0.00031 and 0.00072; ExAC 0.00035.
gnomAD v4.1: 1,081 of 1,614,212 alleles (0.067%); highest among the groups gnomAD compares: Non-Finnish European, 0.087%; no homozygotes.

Submissions (2):

CeGaT Center for Human Genetics Tuebingen
Classification: Likely benign. Last evaluated: 2026-08-01. Review status: criteria provided, single submitter. Criteria: CeGaT Center For Human Genetics Tuebingen Variant Classification Criteria Version 2. Collection method: clinical testing. Allele origin: germline. Affected: yes. Observed: 1 variant allele.
Comment: SVIL: BP4, BP7

Labcorp Genetics (formerly Invitae), Labcorp
Classification: Likely benign. Last evaluated: 2018-07-02. Review status: criteria provided, single submitter. Criteria: Invitae Variant Classification Sherloc (09022015). Collection method: clinical testing. Allele origin: germline.

NM_021738.3(SVIL):c.4668A>G (p.Glu1556=)

Genes: SVIL (supervillin; minus strand), SVIL-AS1 (SVIL antisense RNA 1; plus strand). Cytogenetic location: 10p11.23.
Variant type: single nucleotide variant.
Coding change: c.4668A>G on transcript NM_021738.3 (MANE Select); coding-DNA position 4668, A replaced by G.
Protein change: p.Glu1556=; no amino-acid change (glutamic acid 1556 retained).
Molecular consequence: synonymous variant.
Genome position (GRCh38, 1-based): chr10:29,486,196, T>C on the plus strand (A>G on the coding strand, the complement: SVIL is on the minus strand). VCF-style: chr10-29486196-T-C. GRCh37 (hg19) VCF-style: chr10-29775125-T-C.
Other names: c.3738A>G, p.Glu1246= (NM_001323599.2); c.3486A>G, p.Glu1162= (NM_001323600.1); c.3390A>G, p.Glu1130= (NM_003174.3).
Identifiers: ClinVar variation 721358 (VCV000721358.4), dbSNP rs201105295, ClinGen allele CA5456442.
Genomic context (GRCh38, chr10:29,486,196, plus strand): 5'-ATCAGGAACAAGTTTGTCATCCATGAGACGGTAAATGCAGTTAGTTTCTATTATGGCTGC[T>C]TCATAGAGTTCATCTTCTTTTGGGTCTCCAGCAGCTTGGGGATAAGAAGAACAGGAGAGC-3'
Protein context (NP_068506.2, residues 1546-1566): AGDPKEDELY[Glu1556=]AAIIETNCIY